The following is an entry in ClinVar:

NM_000059.4(BRCA2):c.8035G>A (p.Asp2679Asn)

Gene: BRCA2 (BRCA2 DNA repair associated; plus strand). Cytogenetic location: 13q13.1.
Variant type: single nucleotide variant.
Coding change: c.8035G>A on transcript NM_000059.4 (MANE Select); coding-DNA position 8035, G replaced by A.
Protein change: p.Asp2679Asn; replaces aspartic acid 2679 with asparagine.
Molecular consequence: missense variant.
Genome position (GRCh38, 1-based): chr13:32,363,237, G>A. VCF-style: chr13-32363237-G-A. GRCh37 (hg19) VCF-style: chr13-32937374-G-A.
Other names: c.8035G>A (NM_000059.3); short protein forms D2679N.
Identifiers: ClinVar variation 1467958 (VCV001467958.7), dbSNP rs80359040, ClinGen allele CA387748969.

ClinVar aggregate classification (germline): Uncertain significance. Review status: criteria provided, multiple submitters, no conflicts (2 of 4 stars). 2 submissions from 2 submitters: Uncertain significance (2). Last evaluated 2021-09-03.

Conditions:
BRCA2-related cancer predisposition. Identifiers: MedGen CN377758, MONDO:0700269.
Hereditary breast ovarian cancer syndrome. Also called: BRCA1- and BRCA2-Associated Hereditary Breast and Ovarian Cancer; Hereditary breast and ovarian cancer; Hereditary breast and ovarian cancer syndrome; Hereditary breast and ovarian cancer syndrome (HBOC); Breast and ovarian cancer; Hereditary breast and/or ovarian cancer syndrome. Identifiers: Orphanet 145, MedGen C0677776, MeSH D061325, MONDO:0003582. Disease mechanism: loss of function.

Submissions (2):

Labcorp Genetics (formerly Invitae), Labcorp
Classification: Uncertain significance for Hereditary breast ovarian cancer syndrome. Last evaluated: 2021-09-03. Review status: criteria provided, single submitter. Criteria: Invitae Variant Classification Sherloc (09022015). Collection method: clinical testing. Allele origin: germline.
Comment: In summary, the available evidence is currently insufficient to determine the role of this variant in disease. Therefore, it has been classified as a Variant of Uncertain Significance. Algorithms developed to predict the effect of missense changes on protein structure and function are either unavailable or do not agree on the potential impact of this missense change (SIFT: "Deleterious"; PolyPhen-2: "Probably Damaging"; Align-GVGD: "Class C15"). This variant has not been reported in the literature in individuals affected with BRCA2-related conditions. This variant is not present in population databases (ExAC no frequency). This sequence change replaces aspartic acid with asparagine at codon 2679 of the BRCA2 protein (p.Asp2679Asn). The aspartic acid residue is highly conserved and there is a small physicochemical difference between aspartic acid and asparagine.

Department of Pathology and Laboratory Medicine, Sinai Health System
Classification: Uncertain significance for BRCA2-related cancer predisposition. Last evaluated: 2020-01-13. Review status: criteria provided, single submitter. Criteria: ACMG Guidelines, 2015. Collection method: clinical testing. Allele origin: germline.